The following is an entry in ClinVar:

ClinVar aggregate classification (germline): Conflicting classifications of pathogenicity. Review status: criteria provided, conflicting classifications (1 of 4 stars). 5 submissions from 5 submitters: Uncertain significance (3); Benign (1); Likely benign (1). Last evaluated 2025-04-23.

Conditions:
Bethlem myopathy 1A. Also called: MYOPATHY, BENIGN CONGENITAL, WITH CONTRACTURES; Bethlem Muscular Dystrophy; Bethlem myopathy 1. Identifiers: Orphanet 610, MedGen CN029274, MONDO:0024530, OMIM 158810.
Ullrich congenital muscular dystrophy 1A. Also called: Intermediate COL6-RD; Ullrich congenital muscular dystrophy 1. Identifiers: Orphanet 75840, MedGen C0410179, MONDO:0009681, OMIM 254090.
Collagen 6-related myopathy. Identifiers: MedGen CN117976, MONDO:0100225.
Inborn genetic diseases. Identifiers: MedGen C0950123, MeSH D030342.

Allele frequency attached by ClinVar (database versions not stated): TOPMed 0.00002; gnomAD 0.00004 and 0.00006; 1000 Genomes Project 30x 0.00016; 1000 Genomes Project 0.00020; ExAC 0.00021.
gnomAD v4.1: 225 of 1,601,186 alleles (0.014%); highest among the groups gnomAD compares: East Asian, 0.27%; no homozygotes.

Submissions (5):

Labcorp Genetics (formerly Invitae), Labcorp
Classification: Likely benign for Bethlem myopathy 1A. Last evaluated: 2025-04-23. Review status: criteria provided, single submitter. Criteria: Invitae Variant Classification Sherloc (09022015). Collection method: clinical testing. Allele origin: germline.

Revvity Omics, Revvity
Classification: Uncertain significance. Last evaluated: 2025-04-13. Review status: criteria provided, single submitter. Criteria: ACMG Guidelines, 2015. Collection method: clinical testing. Allele origin: germline.

Ambry Genetics
Classification: Uncertain significance for Inborn genetic diseases. Last evaluated: 2024-12-03. Review status: criteria provided, single submitter. Criteria: Ambry Variant Classification Scheme 2023. Collection method: clinical testing. Allele origin: germline.

Blueprint Genetics
Classification: Uncertain significance. Last evaluated: 2024-03-27. Review status: criteria provided, single submitter. Criteria: ACMG Guidelines, 2015. Collection method: clinical testing. Allele origin: germline.

Illumina Laboratory Services, Illumina
Classification: Benign for Collagen VI-related myopathy. Last evaluated: 2018-01-12. Review status: criteria provided, single submitter. Criteria: ICSL Variant Classification Criteria 13 December 2019. Collection method: clinical testing. Allele origin: germline.
Comment: This variant was observed in the ICSL laboratory as part of a predisposition screen in an ostensibly healthy population. It had not been previously curated by ICSL or reported in the Human Gene Mutation Database (HGMD: prior to June 1st, 2018), and was therefore a candidate for classification through an automated scoring system. Utilizing variant allele frequency, disease prevalence and penetrance estimates, and inheritance mode, an automated score was calculated to assess if this variant is too frequent to cause the disease. Based on the score and internal cut-off values, a variant classified as benign is not then subjected to further curation. The score for this variant resulted in a classification of benign for this disease.

NM_001848.3(COL6A1):c.1721G>A (p.Arg574Gln)

Gene: COL6A1 (collagen type VI alpha 1 chain; plus strand). Cytogenetic location: 21q22.3.
Variant type: single nucleotide variant.
Coding change: c.1721G>A on transcript NM_001848.3 (MANE Select); coding-DNA position 1721, G replaced by A.
Protein change: p.Arg574Gln; replaces arginine 574 with glutamine.
Molecular consequence: missense variant.
Genome position (GRCh38, 1-based): chr21:45,999,199, G>A. VCF-style: chr21-45999199-G-A. GRCh37 (hg19) VCF-style: chr21-47419113-G-A.
Other names: short protein forms R574Q.
Identifiers: ClinVar variation 840759 (VCV000840759.19), dbSNP rs201227573, ClinGen allele CA10070498.